The following is an entry in ClinVar:

ClinVar aggregate classification (germline): Uncertain significance (1 of 4 stars; one submission).

Submission:

GeneDx
Classification: Uncertain significance. Last evaluated: 2023-12-21. Review status: criteria provided, single submitter. Criteria: GeneDx Variant Classification Process June 2021. Collection method: clinical testing. Allele origin: germline. Affected: yes.
Comment: Not observed at significant frequency in large population cohorts (gnomAD); In silico analysis supports that this missense variant has a deleterious effect on protein structure/function; Has not been previously published as pathogenic or benign to our knowledge

NM_000186.4(CFH):c.1226G>T (p.Gly409Val)

Gene: CFH (complement factor H; plus strand). Cytogenetic location: 1q31.3.
Variant type: single nucleotide variant.
Coding change: c.1226G>T on transcript NM_000186.4 (MANE Select); coding-DNA position 1226, G replaced by T.
Protein change: p.Gly409Val; replaces glycine 409 with valine.
Molecular consequence: missense variant.
Genome position (GRCh38, 1-based): chr1:196,690,129, G>T. VCF-style: chr1-196690129-G-T. GRCh37 (hg19) VCF-style: chr1-196659259-G-T.
Other names: c.1226G>T, p.Gly409Val (NM_001014975.3); short protein forms G409V.
Identifiers: ClinVar variation 3365512 (VCV003365512.1).